The following is an entry in ClinVar:

ClinVar aggregate classification (germline): Pathogenic (1 of 4 stars; one submission).

Conditions:
LMX1B-related disorder. Also called: LMX1B-related condition.

Submission:

PreventionGenetics, part of Exact Sciences
Classification: Pathogenic for LMX1B-related condition. Last evaluated: 2022-11-17. Review status: criteria provided, single submitter. Criteria: ACMG Guidelines, 2015. Collection method: clinical testing. Allele origin: germline.
Comment: The LMX1B c.597_598dupCA variant is predicted to result in a frameshift and premature protein termination (p.Lys200Thrfs*76). To our knowledge, this variant has not been reported in the literature or in a large population database, indicating this variant is rare. Frameshift variants in LMX1B are expected to be pathogenic. This variant is interpreted as pathogenic.

NM_001174147.2(LMX1B):c.597_598dup (p.Lys200fs)

Gene: LMX1B (LIM homeobox transcription factor 1 beta; plus strand). Cytogenetic location: 9q33.3.
Variant type: Duplication.
Coding change: c.597_598dup on transcript NM_001174147.2 (MANE Select); coding-DNA positions 597 to 598, 2 bases duplicated (CA; older notation c.597_598dupCA).
Protein change: p.Lys200fs; shifts the reading frame from lysine 200.
Molecular consequence: frameshift variant.
Genome position (GRCh38, 1-based): chr9:126,693,179-126,693,180, CA duplicated. VCF-style (leftmost placement, unchanged base first): chr9-126693178-C-CCA. GRCh37 (hg19) VCF-style: chr9-129455457-C-CCA.
Other names: c.597_598dup, p.Lys200fs (NM_001174146.2, NM_002316.4); short protein forms K200fs.
Identifiers: ClinVar variation 2635296 (VCV002635296.1), dbSNP rs2490687634, ClinGen allele CA2695199409.